The following is an entry in ClinVar:

NM_003235.5(TG):c.6199+4del

Gene: TG (thyroglobulin; plus strand). Cytogenetic location: 8q24.22.
Variant type: Deletion.
Coding change: c.6199+4del on transcript NM_003235.5 (MANE Select); 4 bases into the intron after coding-DNA position 6199, one base deleted (A; older notation c.6199+4delA).
Molecular consequence: intron variant.
Genome position (GRCh38, 1-based): chr8:132,972,745, A deleted; the last of 2 consecutive A bases (chr8:132,972,744-132,972,745); deleting either gives the same sequence. VCF-style (leftmost placement, unchanged base first): chr8-132972743-TA-T. GRCh37 (hg19) VCF-style: chr8-133984988-TA-T.
Identifiers: ClinVar variation 5021099 (VCV005021099.1).

ClinVar aggregate classification (germline): Pathogenic (1 of 4 stars; one submission).

Conditions:
Paediatric disorders.

Submission:

North West Genomic Laboratory Hub, Manchester University NHS Foundation Trust
Classification: Pathogenic for Paediatric disorders. Last evaluated: 2025-11-04. Review status: criteria provided, single submitter. Criteria: ACGS Best Practice Guidelines for Variant Classification in Rare Disease 2024. Collection method: clinical testing. Allele origin: germline. Affected: yes.
Comment: PM2_Mod PP4_Supp PVS1_VStr